The following is an entry in ClinVar:

NM_152564.5(VPS13B):c.11239C>G (p.Gln3747Glu)

Gene: VPS13B (vacuolar protein sorting 13 homolog B; plus strand). Cytogenetic location: 8q22.2.
Variant type: single nucleotide variant.
Coding change: c.11239C>G on transcript NM_152564.5 (MANE Select); coding-DNA position 11239, C replaced by G.
Protein change: p.Gln3747Glu; replaces glutamine 3747 with glutamic acid.
Molecular consequence: missense variant.
Genome position (GRCh38, 1-based): chr8:99,868,312, C>G. VCF-style: chr8-99868312-C-G. GRCh37 (hg19) VCF-style: chr8-100880540-C-G.
Other names: c.11314C>G, p.Gln3772Glu (NM_017890.5); short protein forms Q3772E, Q3747E.
Identifiers: ClinVar variation 4998065 (VCV004998065.1).

ClinVar aggregate classification (germline): Uncertain significance (1 of 4 stars; one submission).

Conditions:
VPS13B-related disorder. Also called: VPS13B-related condition.

Submission:

PreventionGenetics, part of Exact Sciences
Classification: Uncertain significance for VPS13B-related condition. Last evaluated: 2024-10-11. Review status: criteria provided, single submitter. Criteria: ACMG Guidelines, 2015. Collection method: clinical testing. Allele origin: germline.
Comment: The VPS13B c.11239C>G variant is predicted to result in the amino acid substitution p.Gln3747Glu. To our knowledge, this variant has not been reported in the literature or in a large population database (gnomAD), indicating this variant is rare. At this time, the clinical significance of this variant is uncertain due to the absence of conclusive functional and genetic evidence.